The following is an entry in ClinVar:

NM_022095.4(ZNF335):c.949C>G (p.Leu317Val)

Gene: ZNF335 (zinc finger protein 335; minus strand). Cytogenetic location: 20q13.12.
Variant type: single nucleotide variant.
Coding change: c.949C>G on transcript NM_022095.4 (MANE Select); coding-DNA position 949, C replaced by G.
Protein change: p.Leu317Val; replaces leucine 317 with valine.
Molecular consequence: missense variant.
Genome position (GRCh38, 1-based): chr20:45,967,500, G>C on the plus strand (C>G on the coding strand, the complement: ZNF335 is on the minus strand). VCF-style: chr20-45967500-G-C. GRCh37 (hg19) VCF-style: chr20-44596139-G-C.
Other names: short protein forms L317V.
Identifiers: ClinVar variation 2762849 (VCV002762849.3), dbSNP rs1313142559, ClinGen allele CA409190650.

ClinVar aggregate classification (germline): Uncertain significance (1 of 4 stars; one submission).

Submission:

Labcorp Genetics (formerly Invitae), Labcorp
Classification: Uncertain significance. Last evaluated: 2023-09-23. Review status: criteria provided, single submitter. Criteria: Invitae Variant Classification Sherloc (09022015). Collection method: clinical testing. Allele origin: germline.
Comment: In summary, the available evidence is currently insufficient to determine the role of this variant in disease. Therefore, it has been classified as a Variant of Uncertain Significance. Advanced modeling of protein sequence and biophysical properties (such as structural, functional, and spatial information, amino acid conservation, physicochemical variation, residue mobility, and thermodynamic stability) performed at Invitae indicates that this missense variant is not expected to disrupt ZNF335 protein function. This variant has not been reported in the literature in individuals affected with ZNF335-related conditions. This variant is not present in population databases (gnomAD no frequency). This sequence change replaces leucine, which is neutral and non-polar, with valine, which is neutral and non-polar, at codon 317 of the ZNF335 protein (p.Leu317Val).